The following is an entry in ClinVar:

NM_000136.3(FANCC):c.610C>T (p.Leu204Phe)

Genes: FANCC (FA complementation group C; minus strand), AOPEP (aminopeptidase O (putative); plus strand). Cytogenetic location: 9q22.32.
Variant type: single nucleotide variant.
Coding change: c.610C>T on transcript NM_000136.3 (MANE Select); coding-DNA position 610, C replaced by T.
Protein change: p.Leu204Phe; replaces leucine 204 with phenylalanine.
Molecular consequence: missense variant.
Genome position (GRCh38, 1-based): chr9:95,149,999, G>A on the plus strand (C>T on the coding strand, the complement: FANCC is on the minus strand). VCF-style: chr9-95149999-G-A. GRCh37 (hg19) VCF-style: chr9-97912281-G-A.
Other names: c.610C>T, p.Leu204Phe (NM_001243743.2, NM_001243744.2); short protein forms L204F.
Identifiers: ClinVar variation 1692232 (VCV001692232.6), dbSNP rs1830064754, ClinGen allele CA374109671.
Genomic context (GRCh38, chr9:95,149,999, plus strand): 5'-TTACAGCCTCAAAGAACTCTGGCTGGAGGATTTCCTGAGGTTCACGTCCATGACAGATGA[G>A]GAGAGCCTCCACCAGGGGGTCAACATCTGTCAGGGTAATAAGTGGGACACAAACTCGTGA-3'
Protein context (NP_000127.2, residues 194-214): TDVDPLVEAL[Leu204Phe]ICHGREPQEI

ClinVar aggregate classification (germline): Uncertain significance. Review status: criteria provided, multiple submitters, no conflicts (2 of 4 stars). 4 submissions from 4 submitters: Uncertain significance (4). Last evaluated 2025-11-22.

Conditions:
Hereditary cancer-predisposing syndrome. Also called: Hereditary Cancer Syndrome; Hereditary neoplastic syndrome; Neoplastic Syndromes, Hereditary; Tumor predisposition. Identifiers: Orphanet 140162, MedGen C0027672, MeSH D009386, MONDO:0015356.
Fanconi anemia (FA). Also called: Fanconi's anemia. Identifiers: Orphanet 84, MedGen C0015625, MeSH D005199, MONDO:0019391.

Allele frequency attached by ClinVar (database versions not stated): gnomAD exomes below 0.00001; TOPMed below 0.00001.
gnomAD v4.1: 2 of 1,613,936 alleles (0.00012%); highest among the groups gnomAD compares: African/African-American, 0.0013%; no homozygotes.

Submissions (4):

Ambry Genetics
Classification: Uncertain significance for Hereditary cancer-predisposing syndrome. Last evaluated: 2025-11-22. Review status: criteria provided, single submitter. Criteria: Ambry Variant Classification Scheme 2023. Collection method: clinical testing. Allele origin: germline.
Comment: The p.L204F variant (also known as c.610C>T), located in coding exon 6 of the FANCC gene, results from a C to T substitution at nucleotide position 610. The leucine at codon 204 is replaced by phenylalanine, an amino acid with highly similar properties. This amino acid position is conserved. In addition, the in silico prediction for this alteration is inconclusive. Based on the available evidence, the clinical significance of this variant remains unclear.

Women's Health and Genetics/Laboratory Corporation of America, LabCorp
Classification: Uncertain significance. Last evaluated: 2025-09-03. Review status: criteria provided, single submitter. Criteria: LabCorp Variant Classification Summary - May 2015. Collection method: clinical testing. Allele origin: germline.

Labcorp Genetics (formerly Invitae), Labcorp
Classification: Uncertain significance for Fanconi anemia. Last evaluated: 2023-10-10. Review status: criteria provided, single submitter. Criteria: Invitae Variant Classification Sherloc (09022015). Collection method: clinical testing. Allele origin: germline.
Comment: This sequence change replaces leucine, which is neutral and non-polar, with phenylalanine, which is neutral and non-polar, at codon 204 of the FANCC protein (p.Leu204Phe). This variant is not present in population databases (gnomAD no frequency). This variant has not been reported in the literature in individuals affected with FANCC-related conditions. ClinVar contains an entry for this variant (Variation ID: 1692232). Advanced modeling of protein sequence and biophysical properties (such as structural, functional, and spatial information, amino acid conservation, physicochemical variation, residue mobility, and thermodynamic stability) performed at Invitae indicates that this missense variant is expected to disrupt FANCC protein function. In summary, the available evidence is currently insufficient to determine the role of this variant in disease. Therefore, it has been classified as a Variant of Uncertain Significance.

Sema4
Classification: Uncertain significance for Fanconi anemia. Last evaluated: 2021-04-13. Review status: criteria provided, single submitter. Criteria: Sema4 Curation Guidelines. Collection method: curation. Allele origin: germline.
Comment: The FANCC c.610C>T (p.L204F) variant has not been reported in the literature to our knowledge. It was not observed in the large and broad cohorts of the Genome Aggregation Database. The variant has not been reported in ClinVar. In silico tools suggest the impact of the variant on protein function is inconclusive, though these predictions have not been confirmed by functional studies. The evidence is insufficient to meet ACMG/AMP criteria for classifying the variant as benign or pathogenic. Thus, the clinical significance of this variant is currently uncertain.